The following is an entry in ClinVar:

NM_005546.4(ITK):c.583A>C (p.Asn195His)

Gene: ITK (IL2 inducible T cell kinase; plus strand). Cytogenetic location: 5q33.3.
Variant type: single nucleotide variant.
Coding change: c.583A>C on transcript NM_005546.4 (MANE Select); coding-DNA position 583, A replaced by C.
Protein change: p.Asn195His; replaces asparagine 195 with histidine.
Molecular consequence: missense variant.
Genome position (GRCh38, 1-based): chr5:157,222,950, A>C. VCF-style: chr5-157222950-A-C. GRCh37 (hg19) VCF-style: chr5-156649960-A-C.
Other names: short protein forms N195H.
Identifiers: ClinVar variation 2113047 (VCV002113047.4), dbSNP rs908186279, ClinGen allele CA130142520.

ClinVar aggregate classification (germline): Uncertain significance (1 of 4 stars; one submission).

Conditions:
Lymphoproliferative syndrome 1 (LPFS1). Identifiers: Orphanet 238505, Orphanet 538963, MedGen C3552634, MONDO:0013081, OMIM 613011.

Allele frequency attached by ClinVar (database versions not stated): gnomAD exomes below 0.00001; TOPMed below 0.00001.
gnomAD v4.1: 3 of 1,614,126 alleles (0.00019%); highest among the groups gnomAD compares: African/African-American, 0.0027%; no homozygotes.

Submission:

Labcorp Genetics (formerly Invitae), Labcorp
Classification: Uncertain significance for Lymphoproliferative syndrome 1. Last evaluated: 2022-06-02. Review status: criteria provided, single submitter. Criteria: Invitae Variant Classification Sherloc (09022015). Collection method: clinical testing. Allele origin: germline.
Comment: In summary, the available evidence is currently insufficient to determine the role of this variant in disease. Therefore, it has been classified as a Variant of Uncertain Significance. Advanced modeling of protein sequence and biophysical properties (such as structural, functional, and spatial information, amino acid conservation, physicochemical variation, residue mobility, and thermodynamic stability) performed at Invitae indicates that this missense variant is not expected to disrupt ITK protein function. This variant has not been reported in the literature in individuals affected with ITK-related conditions. This variant is present in population databases (no rsID available, gnomAD 0.003%). This sequence change replaces asparagine, which is neutral and polar, with histidine, which is basic and polar, at codon 195 of the ITK protein (p.Asn195His).